The following is an entry in ClinVar:

ClinVar aggregate classification (germline): Likely benign. Review status: criteria provided, multiple submitters, no conflicts (2 of 4 stars). 2 submissions from 2 submitters: Likely benign (2). Last evaluated 2026-07-05.

Conditions:
ZBTB24-related disorder. Also called: ZBTB24-related condition.
Immunodeficiency-centromeric instability-facial anomalies syndrome 2 (ICF2). Identifiers: Orphanet 2268, MedGen C3279748, MONDO:0013553, OMIM 614069.

Allele frequency attached by ClinVar (database versions not stated): TOPMed 0.00003; gnomAD 0.00004; ExAC 0.00001; gnomAD exomes 0.00002.
gnomAD v4.1: 35 of 1,614,082 alleles (0.0022%); highest among the groups gnomAD compares: Admixed American, 0.025%; no homozygotes.

Submissions (2):

PreventionGenetics, part of Exact Sciences
Classification: Likely benign for ZBTB24-related condition. Last evaluated: 2026-07-05. Review status: criteria provided, single submitter. Criteria: ACMG Guidelines, 2015. Collection method: clinical testing. Allele origin: germline.
Comment: This variant is classified as likely benign based on ACMG/AMP sequence variant interpretation guidelines (Richards et al. 2015 PMID: 25741868, with internal and published modifications).

Labcorp Genetics (formerly Invitae), Labcorp
Classification: Likely benign for Immunodeficiency-centromeric instability-facial anomalies syndrome 2. Last evaluated: 2026-01-26. Review status: criteria provided, single submitter. Criteria: Invitae Variant Classification Sherloc (09022015). Collection method: clinical testing. Allele origin: germline.

NM_014797.3(ZBTB24):c.1956A>G (p.Gln652=)

Gene: ZBTB24 (zinc finger and BTB domain containing 24; minus strand). Cytogenetic location: 6q21.
Variant type: single nucleotide variant.
Coding change: c.1956A>G on transcript NM_014797.3 (MANE Select); coding-DNA position 1956, A replaced by G.
Protein change: p.Gln652=; no amino-acid change (glutamine 652 retained).
Molecular consequence: synonymous variant.
Genome position (GRCh38, 1-based): chr6:109,465,989, T>C on the plus strand (A>G on the coding strand, the complement: ZBTB24 is on the minus strand). VCF-style: chr6-109465989-T-C. GRCh37 (hg19) VCF-style: chr6-109787192-T-C.
Identifiers: ClinVar variation 2146880 (VCV002146880.5), dbSNP rs747489610, ClinGen allele CA3953986.
Genomic context (GRCh38, chr6:109,465,989, plus strand): 5'-CTGCAGGTGCTGAGCTGGATCTGAAGTACTTGTAGCTAAATGGAGCTCCTCTGTTTGCTC[T>C]TGATGGGCATGAAGATGTTCCAGTGTTTCCTTGGACAGAGTGATCACGTGCACTGGCTCT-3'
Protein context (NP_055612.2, residues 642-662): KETLEHLHAH[Gln652=]EQTEELHLAT